The following is an entry in ClinVar:

NM_002693.3(POLG):c.2420G>A (p.Arg807His)

Gene: POLG (DNA polymerase gamma, catalytic subunit; minus strand). Cytogenetic location: 15q26.1.
Variant type: single nucleotide variant.
Coding change: c.2420G>A on transcript NM_002693.3 (MANE Select); coding-DNA position 2420, G replaced by A.
Protein change: p.Arg807His; replaces arginine 807 with histidine.
Molecular consequence: missense variant.
Genome position (GRCh38, 1-based): chr15:89,322,748, C>T on the plus strand (G>A on the coding strand, the complement: POLG is on the minus strand). VCF-style: chr15-89322748-C-T. GRCh37 (hg19) VCF-style: chr15-89865979-C-T.
Other names: p.R807H:CGT>CAT; c.2420G>A, p.Arg807His (NM_001126131.2); short protein forms R807H.
Identifiers: ClinVar variation 206523 (VCV000206523.13), dbSNP rs796052887, ClinGen allele CA316691.

ClinVar aggregate classification (germline): Pathogenic/Likely pathogenic. Review status: criteria provided, multiple submitters, no conflicts (2 of 4 stars). 6 submissions from 6 submitters: Pathogenic (3); Likely pathogenic (3). Last evaluated 2026-03-24.

Conditions:
POLG-related disorder. Also called: POLG-related condition; POLG-Related Disorders; POLG-Related Spectrum Disorders. Identifiers: MedGen C4763519.
Progressive sclerosing poliodystrophy (MTDPS4A). Also called: Mitochondrial DNA depletion syndrome 4A (Alpers type); Alpers Syndrome; NEURONAL DEGENERATION OF CHILDHOOD WITH LIVER DISEASE, PROGRESSIVE; ALPERS PROGRESSIVE INFANTILE POLIODYSTROPHY; ALPERS DIFFUSE DEGENERATION OF CEREBRAL GRAY MATTER WITH HEPATIC CIRRHOSIS; Alpers-Huttenlocher Syndrome. Identifiers: Orphanet 726, MedGen C0205710, MONDO:0008758, OMIM 203700.
Progressive external ophthalmoplegia with mitochondrial DNA deletions, autosomal dominant 1 (PEOA1). Also called: PROGRESSIVE EXTERNAL OPHTHALMOPLEGIA, AUTOSOMAL DOMINANT 1; Autosomal Dominant Progressive External Ophthalmoplegia (adPEO). Identifiers: MedGen C1834846, MONDO:0024528, OMIM 157640.
Progressive external ophthalmoplegia with mitochondrial DNA deletions, autosomal recessive 1 (PEOB1). Also called: Progressive external ophthalmoplegia, autosomal recessive 1; Autosomal Recessive Progressive External Ophthalmoplegia (arPEO). Identifiers: Orphanet 254886, MedGen C4225153, MONDO:0009783, OMIM 258450.
Mitochondrial DNA depletion syndrome 4b. Also called: Mitochondrial Neurogastrointestinal Encephalopathy Disease, POLG-Related; MNGIE, POLG-RELATED. Identifiers: Orphanet 298, MedGen C3150914, MONDO:0013350, OMIM 613662.
Sensory ataxic neuropathy, dysarthria, and ophthalmoparesis (SANDO). Also called: Epilepsy, progressive myoclonic, type 5; SENSORY ATAXIC NEUROPATHY WITH MITOCHONDRIAL DNA DELETIONS, AUTOSOMAL RECESSIVE; Ataxia Neuropathy Spectrum (ANS); Sensory ataxic neuropathy-dysarthria-ophthalmoparesis syndrome. Identifiers: Orphanet 70595, MedGen C1843851, MONDO:0011835, OMIM 607459.

Allele frequency attached by ClinVar (database versions not stated): gnomAD 0.00003.

Submissions (6):

Myriad Genetics, Inc.
Classification: Likely pathogenic for POLG-related disorder. Last evaluated: 2026-03-24. Review status: criteria provided, single submitter. Criteria: Myriad Autosomal Dominant, Autosomal Recessive and X-Linked Classification Criteria (2023). Collection method: clinical testing. Allele origin: unknown.
Comment: NM_002693.2(POLG):c.2420G>A(R807H) is a missense variant classified as likely pathogenic in the context of POLG-related disorders. R807H has been observed in cases with relevant disease (PMID: 21880868, 33486010, 29302508, 28471437, 39118480). Relevant functional assessments of this variant are not available in the literature. R807H has not been observed in referenced population frequency databases. In summary, NM_002693.2(POLG):c.2420G>A(R807H) is a missense variant that has been observed more frequently in cases with the relevant disease than in healthy populations. Please note: this variant was assessed in the context of healthy population screening.

Fulgent Genetics
Classification: Likely pathogenic for Progressive external ophthalmoplegia with mitochondrial DNA deletions, autosomal dominant 1; Progressive sclerosing poliodystrophy; Progressive external ophthalmoplegia with mitochondrial DNA deletions, autosomal recessive 1; Sensory ataxic neuropathy, dysarthria, and ophthalmoparesis; Mitochondrial DNA depletion syndrome 4b. Last evaluated: 2024-03-06. Review status: criteria provided, single submitter. Criteria: ACMG Guidelines, 2015. Collection method: clinical testing. Allele origin: germline.

Labcorp Genetics (formerly Invitae), Labcorp
Classification: Pathogenic for Progressive sclerosing poliodystrophy. Last evaluated: 2024-01-31. Review status: criteria provided, single submitter. Criteria: Invitae Variant Classification Sherloc (09022015). Collection method: clinical testing. Allele origin: germline.
Comment: This sequence change replaces arginine, which is basic and polar, with histidine, which is basic and polar, at codon 807 of the POLG protein (p.Arg807His). This variant is present in population databases (rs796052887, gnomAD 0.03%). This missense change has been observed in individual(s) with Alpers-Huttenlocher syndrome (PMID: 21880868, 29302508). In at least one individual the data is consistent with being in trans (on the opposite chromosome) from a pathogenic variant. ClinVar contains an entry for this variant (Variation ID: 206523). Advanced modeling of protein sequence and biophysical properties (such as structural, functional, and spatial information, amino acid conservation, physicochemical variation, residue mobility, and thermodynamic stability) performed at Invitae indicates that this missense variant is expected to disrupt POLG protein function with a positive predictive value of 95%. This variant disrupts the p.Arg807 amino acid residue in POLG. Other variant(s) that disrupt this residue have been observed in individuals with POLG-related conditions (PMID: 14635118, 16919951, 21357833), which suggests that this may be a clinically significant amino acid residue. For these reasons, this variant has been classified as Pathogenic.

Baylor Genetics
Classification: Pathogenic for Progressive sclerosing poliodystrophy. Last evaluated: 2023-04-27. Review status: criteria provided, single submitter. Criteria: ACMG Guidelines, 2015. Collection method: clinical testing. Allele origin: unknown.

GeneDx
Classification: Likely pathogenic. Last evaluated: 2022-03-15. Review status: criteria provided, single submitter. Criteria: GeneDx Variant Classification Process June 2021. Collection method: clinical testing. Allele origin: germline. Affected: yes.
Comment: Not observed at significant frequency in large population cohorts (gnomAD); In silico analysis supports that this missense variant has a deleterious effect on protein structure/function; This variant is associated with the following publications: (PMID: 21357833, 20220442, 16919951, 14635118, 32391929, 24508722, 28471437, 21880868, 30167885, 30395865, 29302508)

Wong Mito Lab, Molecular and Human Genetics, Baylor College of Medicine
Classification: Pathogenic for Progressive sclerosing poliodystrophy. Last evaluated: 2018-10-01. Review status: criteria provided, single submitter. Criteria: ACMG Guidelines, 2015. Collection method: clinical testing. Allele origin: germline.
Comment: The NM_002693.2:c.2420G>A (NP_002684.1:p.Arg807His) [GRCH38: NC_000015.10:g.89322748C>T] variant in POLG gene is interpretated to be a Pathogenic based on ACMG guidelines (PMID: 25741868). This variant meets the following evidence codes reported in the ACMG-guideline. PS1:This variation causes same amino-acid change as an established pathogenic variant. PM2:This variant is absent in key population databases. PM3:Detected in trans with a pathogenic variant for Mitochondrial DNA depletion syndrome 4A (Alpers type) which is a recessive disorder. PP1:This variant is co-segregated with Mitochondrial DNA depletion syndrome 4A (Alpers type) in multiple affected family members. PP2:This is a missense variant in POLG with a low rate of benign and high rate of pathogenic missense variations. PP3:Computational evidence/predictors indicate the variant has deleterious effect on POLG structure, function, or protein-protein interaction. PP4:Patient's phenotype or family history is highly specific for POLG. Based on the evidence criteria codes applied, the variant is suggested to be Pathogenic.

Literature cited by the submitters: PubMed 21880868 (cited by Myriad Genetics, Inc. and Labcorp Genetics (formerly Invitae), Labcorp); PubMed 28471437 (cited by Myriad Genetics, Inc.); PubMed 29302508 (cited by Myriad Genetics, Inc. and Labcorp Genetics (formerly Invitae), Labcorp); PubMed 33486010 (cited by Myriad Genetics, Inc.); PubMed 39118480 (cited by Myriad Genetics, Inc.); PubMed 14635118 (cited by Labcorp Genetics (formerly Invitae), Labcorp); PubMed 16919951 (cited by Labcorp Genetics (formerly Invitae), Labcorp); PubMed 21357833 (cited by Labcorp Genetics (formerly Invitae), Labcorp).